The following is an entry in ClinVar:

ClinVar aggregate classification (germline): Uncertain significance. Review status: criteria provided, multiple submitters, no conflicts (2 of 4 stars). 2 submissions from 2 submitters: Uncertain significance (2). Last evaluated 2025-05-05.

Conditions:
Inborn genetic diseases. Identifiers: MedGen C0950123, MeSH D030342.
Baller-Gerold syndrome (BGS). Also called: CRANIOSYNOSTOSIS WITH RADIAL DEFECTS. Identifiers: Orphanet 1225, MedGen C0265308, MONDO:0009039, OMIM 218600.

Allele frequency attached by ClinVar (database versions not stated): gnomAD exomes below 0.00001 and 0.00001; ExAC 0.00001; gnomAD 0.00003 and 0.00004; TOPMed 0.00004.
gnomAD v4.1: 21 of 1,609,654 alleles (0.0013%); highest among the groups gnomAD compares: Non-Finnish European, 0.0014%; no homozygotes.

Submissions (2):

Labcorp Genetics (formerly Invitae), Labcorp
Classification: Uncertain significance for Baller-Gerold syndrome. Last evaluated: 2025-05-05. Review status: criteria provided, single submitter. Criteria: Invitae Variant Classification Sherloc (09022015). Collection method: clinical testing. Allele origin: germline.
Comment: This sequence change replaces aspartic acid, which is acidic and polar, with glycine, which is neutral and non-polar, at codon 200 of the RECQL4 protein (p.Asp200Gly). This variant is present in population databases (rs755687763, gnomAD 0.002%). This variant has not been reported in the literature in individuals affected with RECQL4-related conditions. ClinVar contains an entry for this variant (Variation ID: 406914). Invitae Evidence Modeling of protein sequence and biophysical properties (such as structural, functional, and spatial information, amino acid conservation, physicochemical variation, residue mobility, and thermodynamic stability) indicates that this missense variant is not expected to disrupt RECQL4 protein function with a negative predictive value of 80%. In summary, the available evidence is currently insufficient to determine the role of this variant in disease. Therefore, it has been classified as a Variant of Uncertain Significance.

Ambry Genetics
Classification: Uncertain significance for Inborn genetic diseases. Last evaluated: 2024-12-03. Review status: criteria provided, single submitter. Criteria: Ambry Variant Classification Scheme 2023. Collection method: clinical testing. Allele origin: germline.
Comment: The p.D200G variant (also known as c.599A>G), located in coding exon 5 of the RECQL4 gene, results from an A to G substitution at nucleotide position 599. The aspartic acid at codon 200 is replaced by glycine, an amino acid with similar properties. This amino acid position is conserved. In addition, the in silico prediction for this alteration is inconclusive. Based on the available evidence, the clinical significance of this variant remains unclear.

NM_004260.4(RECQL4):c.599A>G (p.Asp200Gly)

Gene: RECQL4 (RecQ like helicase 4; minus strand). Cytogenetic location: 8q24.3.
Variant type: single nucleotide variant.
Coding change: c.599A>G on transcript NM_004260.4 (MANE Select); coding-DNA position 599, A replaced by G.
Protein change: p.Asp200Gly; replaces aspartic acid 200 with glycine.
Molecular consequence: missense variant.
Genome position (GRCh38, 1-based): chr8:144,516,520, T>C on the plus strand (A>G on the coding strand, the complement: RECQL4 is on the minus strand). VCF-style: chr8-144516520-T-C. GRCh37 (hg19) VCF-style: chr8-145741904-T-C.
Other names: short protein forms D200G.
Identifiers: ClinVar variation 406914 (VCV000406914.8), dbSNP rs755687763, ClinGen allele CA4949241.